The following is an entry in ClinVar:

ClinVar aggregate classification (germline): Uncertain significance (1 of 4 stars; one submission).

Conditions:
Cardiovascular phenotype. Identifiers: MedGen CN230736.

gnomAD v4.1: 11 of 1,614,022 alleles (0.00068%); highest among the groups gnomAD compares: Non-Finnish European, 0.00068%; no homozygotes.

Submission:

Ambry Genetics
Classification: Uncertain significance for Cardiovascular phenotype. Last evaluated: 2024-11-21. Review status: criteria provided, single submitter. Criteria: Ambry Variant Classification Scheme 2023. Collection method: clinical testing. Allele origin: germline.
Comment: The p.D2471V variant (also known as c.7412A>T), located in coding exon 8 of the ALMS1 gene, results from an A to T substitution at nucleotide position 7412. The aspartic acid at codon 2471 is replaced by valine, an amino acid with highly dissimilar properties. This amino acid position is highly conserved in available vertebrate species. In addition, the in silico prediction for this alteration is inconclusive. Based on the available evidence, the clinical significance of this variant remains unclear.

NM_001378454.1(ALMS1):c.7409A>T (p.Asp2470Val)

Gene: ALMS1 (ALMS1 centrosome and basal body associated protein; plus strand). Cytogenetic location: 2p13.1.
Variant type: single nucleotide variant.
Coding change: c.7409A>T on transcript NM_001378454.1 (MANE Select); coding-DNA position 7409, A replaced by T.
Protein change: p.Asp2470Val; replaces aspartic acid 2470 with valine.
Molecular consequence: missense variant.
Genome position (GRCh38, 1-based): chr2:73,453,936, A>T. VCF-style: chr2-73453936-A-T. GRCh37 (hg19) VCF-style: chr2-73681063-A-T.
Other names: c.7412A>T, p.Asp2471Val (NM_015120.4); short protein forms D2470V, D2471V.
Identifiers: ClinVar variation 3527390 (VCV003527390.1).